The following is an entry in ClinVar:

ClinVar aggregate classification (germline): Uncertain significance (1 of 4 stars; one submission).

gnomAD v4.1: 12 of 152,286 alleles (0.0079%); highest among the groups gnomAD compares: Admixed American, 0.02%; no homozygotes.

Submissions (2):

GeneDx
Classification: Uncertain significance. Last evaluated: 2024-05-13. Review status: criteria provided, single submitter. Criteria: GeneDx Variant Classification Process June 2021. Collection method: clinical testing. Allele origin: germline. Affected: yes.
Comment: Not observed at significant frequency in large population cohorts (gnomAD); In silico analysis is inconclusive as to whether the variant alters gene splicing. In the absence of RNA/functional studies, the actual effect of this sequence change is unknown.; Has not been previously published as pathogenic or benign to our knowledge

Dr. Peter K. Rogan Lab, Western University
No classification provided (evidence only). Condition: Nonpapillary renal cell carcinoma. Review status: no classification provided. Collection method: in vitro. Allele origin: not applicable. Functional consequence: retained intron. Not counted in ClinVar's aggregate classification.

NM_001378615.1(CC2D2A):c.-18-2658T>G

Genes: CC2D2A (coiled-coil and C2 domain containing 2A; plus strand), FBXL5 (F-box and leucine rich repeat protein 5; minus strand). Cytogenetic location: 4p15.32.
Variant type: single nucleotide variant.
Coding change: c.-18-2658T>G on transcript NM_001378615.1 (MANE Select); 2658 bases into the intron before 18 bases upstream of the start codon, T replaced by G.
Molecular consequence: intron variant. On other transcripts: splice donor variant (2).
Genome position (GRCh38, 1-based): chr4:15,473,257, T>G. VCF-style: chr4-15473257-T-G. GRCh37 (hg19) VCF-style: chr4-15474881-T-G.
Other names: NC_000004.11:g.15474881T>G; c.-19+2T>G (NM_001080522.2, NM_020785.2); c.-18-2658T>G (NM_001164720.3).
Identifiers: ClinVar variation 3378208 (VCV003378208.2).
Genomic context (GRCh38, chr4:15,473,257, plus strand): 5'-AAATAATGTTTCTGCCCTCTTGCAGCTATATTCTAATGGATATGGGCTGACATTAACAAG[T>G]AAGTATGTATGTTGAGTGGTAATAAGTACTGTGAAAAAATCATTGTAAGGTAGTTAGGGA-3'